The following is an entry in ClinVar:

ClinVar aggregate classification (germline): Likely benign (0 of 4 stars; one submission).

Conditions:
RIMS3-related disorder. Also called: RIMS3-related condition.

Allele frequency attached by ClinVar (database versions not stated): 1000 Genomes Project 30x 0.00031; 1000 Genomes Project 0.00040; ExAC 0.00107; gnomAD 0.00113; TOPMed 0.00132; ESP Exome Variant Server 0.00169; gnomAD exomes 0.00173.
gnomAD v4.1: 2,734 of 1,613,718 alleles (0.17%); highest among the groups gnomAD compares: Non-Finnish European, 0.2%; 2 homozygotes.

Submission:

PreventionGenetics, part of Exact Sciences
Classification: Likely benign for RIMS3-related condition. Last evaluated: 2019-10-18. Review status: no assertion criteria provided. Collection method: clinical testing. Allele origin: germline.
Comment: This variant is classified as likely benign based on ACMG/AMP sequence variant interpretation guidelines (Richards et al. 2015 PMID: 25741868, with internal and published modifications).

NM_014747.3(RIMS3):c.34G>A (p.Gly12Arg)

Gene: RIMS3 (regulating synaptic membrane exocytosis 3; minus strand). Cytogenetic location: 1p34.2.
Variant type: single nucleotide variant.
Coding change: c.34G>A on transcript NM_014747.3 (MANE Select); coding-DNA position 34, G replaced by A.
Protein change: p.Gly12Arg; replaces glycine 12 with arginine.
Molecular consequence: missense variant.
Genome position (GRCh38, 1-based): chr1:40,641,892, C>T on the plus strand (G>A on the coding strand, the complement: RIMS3 is on the minus strand). VCF-style: chr1-40641892-C-T. GRCh37 (hg19) VCF-style: chr1-41107564-C-T.
Other names: short protein forms G12R.
Identifiers: ClinVar variation 3050793 (VCV003050793.2), dbSNP rs143996051, ClinGen allele CA793974.
Genomic context (GRCh38, chr1:40,641,892, plus strand): 5'-GCTGGGATCCGCAGATTTCACCGCTAATGCTGGAGCTCCGCACCACATTCCTGGAGGCCC[C>T]AGATGAGGCAGGACCTGGCTCCCCGTTAAACATGGTCCCCGGGGTGGCAGGGCCTCAGGC-3'
Protein context (NP_055562.2, residues 2-22): FNGEPGPASS[Gly12Arg]ASRNVVRSSS